The following is an entry in ClinVar:

NM_138773.4(SLC25A46):c.427G>A (p.Val143Ile)

Gene: SLC25A46 (solute carrier family 25 member 46; plus strand). Cytogenetic location: 5q22.1.
Variant type: single nucleotide variant.
Coding change: c.427G>A on transcript NM_138773.4 (MANE Select); coding-DNA position 427, G replaced by A.
Protein change: p.Val143Ile; replaces valine 143 with isoleucine.
Molecular consequence: missense variant. On other transcripts: non-coding transcript variant (1).
Genome position (GRCh38, 1-based): chr5:110,746,311, G>A. VCF-style: chr5-110746311-G-A. GRCh37 (hg19) VCF-style: chr5-110082012-G-A.
Other names: c.427G>A, p.Val143Ile (NM_001303249.3); c.154G>A, p.Val52Ile (NM_001303250.3); short protein forms V143I, V52I.
Identifiers: ClinVar variation 542453 (VCV000542453.11), dbSNP rs1554092069, ClinGen allele CA360694432.

ClinVar aggregate classification (germline): Uncertain significance (1 of 4 stars; one submission).

Conditions:
Neuropathy, hereditary motor and sensory, type 6B (HMSN6B). Also called: HMSN VIB; CHARCOT-MARIE-TOOTH DISEASE, TYPE 6B; NEUROPATHY, HEREDITARY MOTOR AND SENSORY, TYPE VIB, WITH OPTIC ATROPHY; Neuropathy, hereditary motor and sensory, type VIB. Identifiers: MedGen C4225302, MONDO:0014671, OMIM 616505.

Submission:

Labcorp Genetics (formerly Invitae), Labcorp
Classification: Uncertain significance for Neuropathy, hereditary motor and sensory, type 6B. Last evaluated: 2019-08-19. Review status: criteria provided, single submitter. Criteria: Invitae Variant Classification Sherloc (09022015). Collection method: clinical testing. Allele origin: germline.
Comment: This sequence change replaces valine with isoleucine at codon 143 of the SLC25A46 protein (p.Val143Ile). The valine residue is weakly conserved and there is a small physicochemical difference between valine and isoleucine. This variant is not present in population databases (ExAC no frequency). This variant has not been reported in the literature in individuals with SLC25A46-related disease. Algorithms developed to predict the effect of missense changes on protein structure and function output the following: SIFT: "Tolerated"; PolyPhen-2: "Benign"; Align-GVGD: "Class C0". The isoleucine amino acid residue is found in multiple mammalian species, suggesting that this missense change does not adversely affect protein function. These predictions have not been confirmed by published functional studies and their clinical significance is uncertain. In summary, the available evidence is currently insufficient to determine the role of this variant in disease. Therefore, it has been classified as a Variant of Uncertain Significance.